The following is an entry in ClinVar:

ClinVar aggregate classification (germline): Benign (1 of 4 stars; one submission).

Conditions:
Megalencephalic leukoencephalopathy with subcortical cysts. Also called: VAN DER KNAAP DISEASE. Identifiers: Orphanet 2478, MedGen C1858854, MONDO:0011391.

Allele frequency attached by ClinVar (database versions not stated): gnomAD exomes 0.00040; gnomAD 0.00373 and 0.00396; TOPMed 0.00408; 1000 Genomes Project 0.00499; 1000 Genomes Project 30x 0.00547.
gnomAD v4.1: 738 of 579,688 alleles (0.13%); highest among the groups gnomAD compares: African/African-American, 1.3%; 3 homozygotes.

Submission:

Illumina Laboratory Services, Illumina
Classification: Benign for Megalencephalic leukoencephalopathy with subcortical cysts. Last evaluated: 2018-01-12. Review status: criteria provided, single submitter. Criteria: ICSL Variant Classification Criteria 13 December 2019. Collection method: clinical testing. Allele origin: germline.
Comment: This variant was observed in the ICSL laboratory as part of a predisposition screen in an ostensibly healthy population. It had not been previously curated by ICSL or reported in the Human Gene Mutation Database (HGMD: prior to June 1st, 2018), and was therefore a candidate for classification through an automated scoring system. Utilizing variant allele frequency, disease prevalence and penetrance estimates, and inheritance mode, an automated score was calculated to assess if this variant is too frequent to cause the disease. Based on the score and internal cut-off values, a variant classified as benign is not then subjected to further curation. The score for this variant resulted in a classification of benign for this disease.

NM_152722.5(HEPACAM):c.*1614A>T

Genes: HEPACAM (hepatic and glial cell adhesion molecule; minus strand), HEPN1 (hepatocellular carcinoma, down-regulated 1; plus strand). Cytogenetic location: 11q24.2.
Variant type: single nucleotide variant.
Coding change: c.*1614A>T on transcript NM_152722.5 (MANE Select); 1614 bases downstream of the stop codon, A replaced by T.
Molecular consequence: 3 prime UTR variant.
Genome position (GRCh38, 1-based): chr11:124,919,524, T>A on the plus strand (A>T on the coding strand, the complement: HEPACAM is on the minus strand). VCF-style: chr11-124919524-T-A. GRCh37 (hg19) VCF-style: chr11-124789420-T-A.
Identifiers: ClinVar variation 303291 (VCV000303291.5), dbSNP rs79225627, ClinGen allele CA10637692.